The following is an entry in ClinVar:

ClinVar aggregate classification (germline): Benign (1 of 4 stars; one submission).

Allele frequency attached by ClinVar (database versions not stated): 1000 Genomes Project 0.14337; 1000 Genomes Project 30x 0.14756; gnomAD 0.18060 and 0.18620; TOPMed 0.18663.
gnomAD v4.1: 27,432 of 152,118 alleles (18%); highest among the groups gnomAD compares: African/African-American, 24%; 2,684 homozygotes.

Submission:

GeneDx
Classification: Benign. Last evaluated: 2018-06-14. Review status: criteria provided, single submitter. Criteria: GeneDx Variant Classification (06012015). Collection method: clinical testing. Allele origin: germline. Affected: yes.
Comment: This variant is considered likely benign or benign based on one or more of the following criteria: it is a conservative change, it occurs at a poorly conserved position in the protein, it is predicted to be benign by multiple in silico algorithms, and/or has population frequency not consistent with disease.

NM_020408.6(LYRM4):c.208-256G>A

Genes: LYRM4 (LYR motif containing 4; minus strand), LYRM4-AS1 (LYRM4 antisense RNA 1; plus strand). Cytogenetic location: 6p25.1.
Variant type: single nucleotide variant.
Coding change: c.208-256G>A on transcript NM_020408.6 (MANE Select); 256 bases into the intron before coding-DNA position 208, G replaced by A.
Molecular consequence: intron variant.
Genome position (GRCh38, 1-based): chr6:5,109,747, C>T on the plus strand (G>A on the coding strand, the complement: LYRM4 is on the minus strand). VCF-style: chr6-5109747-C-T. GRCh37 (hg19) VCF-style: chr6-5109981-C-T.
Other names: c.208-41081G>A (NM_001318783.1); c.*42-256G>A (NM_001164841.3).
Identifiers: ClinVar variation 680631 (VCV000680631.1), dbSNP rs55723770, ClinGen allele CA12287320.
Genomic context (GRCh38, chr6:5,109,747, plus strand): 5'-ACAGAGATCCACACACCCATTCCTCCCCTCTGAAACAGCACAGGAGGCTGCAGCCTGGGA[C>T]TCGGGGCTGTGCTGAGCTGGGTGACGCCTGCCTGCTGGTGGCAGAGCTGTCAGATGTGTG-3'